The following is an entry in ClinVar:

NM_004260.4(RECQL4):c.1258+6A>G

Gene: RECQL4 (RecQ like helicase 4; minus strand). Cytogenetic location: 8q24.3.
Variant type: single nucleotide variant.
Coding change: c.1258+6A>G on transcript NM_004260.4 (MANE Select); 6 bases into the intron after coding-DNA position 1258, A replaced by G.
Molecular consequence: intron variant.
Genome position (GRCh38, 1-based): chr8:144,515,758, T>C on the plus strand (A>G on the coding strand, the complement: RECQL4 is on the minus strand). VCF-style: chr8-144515758-T-C. GRCh37 (hg19) VCF-style: chr8-145741142-T-C.
Other names: c.1258+6A>G (NM_004260.3).
Identifiers: ClinVar variation 1050946 (VCV001050946.3), dbSNP rs34437789, ClinGen allele CA2499219192.

ClinVar aggregate classification (germline): Conflicting classifications of pathogenicity. Review status: criteria provided, conflicting classifications (1 of 4 stars). 2 submissions from 2 submitters: Uncertain significance (1); Likely benign (1). Last evaluated 2025-10-02.

Conditions:
RECQL4-related disorder. Also called: RECQL4-related disorders; RECQL4-related condition.
Baller-Gerold syndrome (BGS). Also called: CRANIOSYNOSTOSIS WITH RADIAL DEFECTS. Identifiers: Orphanet 1225, MedGen C0265308, MONDO:0009039, OMIM 218600.

gnomAD v4.1: 1 of 1,611,948 alleles (0.000062%); highest among the groups gnomAD compares: Non-Finnish European, 0.000085%; no homozygotes.

Submissions (2):

PreventionGenetics, part of Exact Sciences
Classification: Likely benign for RECQL4-related condition. Last evaluated: 2025-10-02. Review status: criteria provided, single submitter. Criteria: ACMG Guidelines, 2015. Collection method: clinical testing. Allele origin: germline.
Comment: This variant is classified as likely benign based on ACMG/AMP sequence variant interpretation guidelines (Richards et al. 2015 PMID: 25741868, with internal and published modifications).

Labcorp Genetics (formerly Invitae), Labcorp
Classification: Uncertain significance for Baller-Gerold syndrome. Last evaluated: 2018-08-30. Review status: criteria provided, single submitter. Criteria: Invitae Variant Classification Sherloc (09022015). Collection method: clinical testing. Allele origin: germline.
Comment: This sequence change falls in intron 6 of the RECQL4 gene. It does not directly change the encoded amino acid sequence of the RECQL4 protein. This variant is not present in population databases (ExAC no frequency). This variant has not been reported in the literature in individuals with RECQL4-related disease. Algorithms developed to predict the effect of sequence changes on RNA splicing suggest that this variant is not likely to affect RNA splicing, but this prediction has not been confirmed by published transcriptional studies. In summary, the available evidence is currently insufficient to determine the role of this variant in disease. Therefore, it has been classified as a Variant of Uncertain Significance.